The following is an entry in ClinVar:

ClinVar aggregate classification (germline): Likely benign (0 of 4 stars; one submission).

Conditions:
SLC34A3-related disorder. Also called: SLC34A3-related condition.

Submission:

PreventionGenetics, part of Exact Sciences
Classification: Likely benign for SLC34A3-related condition. Last evaluated: 2021-04-22. Review status: no assertion criteria provided. Collection method: clinical testing. Allele origin: germline.
Comment: This variant is classified as likely benign based on ACMG/AMP sequence variant interpretation guidelines (Richards et al. 2015 PMID: 25741868, with internal and published modifications).

NM_001177316.2(SLC34A3):c.925+42T>C

Gene: SLC34A3 (solute carrier family 34 member 3; plus strand). Cytogenetic location: 9q34.3.
Variant type: single nucleotide variant.
Coding change: c.925+42T>C on transcript NM_001177316.2 (MANE Select); 42 bases into the intron after coding-DNA position 925, T replaced by C.
Molecular consequence: intron variant.
Genome position (GRCh38, 1-based): chr9:137,233,983, T>C. VCF-style: chr9-137233983-T-C. GRCh37 (hg19) VCF-style: chr9-140128435-T-C.
Other names: c.925+42T>C (NM_001177317.2, NM_080877.3).
Identifiers: ClinVar variation 3057174 (VCV003057174.2), dbSNP rs1360414325, ClinGen allele CA591373933.
Genomic context (GRCh38, chr9:137,233,983, plus strand): 5'-CCGGCGGACAGGCTGCCCTGTGAGGCCCGGCCCACCCCAAGCCCCCTACACCCCCCACAC[T>C]CCCCCTCACCGGCCCCTACATGGAGAGGAACAGCACAGCCCCGGCGGACAGGCTGCCCTG-3'